The following is an entry in ClinVar:

ClinVar aggregate classification (germline): Conflicting classifications of pathogenicity. Review status: criteria provided, conflicting classifications (1 of 4 stars). 6 submissions from 5 submitters: Uncertain significance (5); Likely benign (1). Last evaluated 2026-01-28.

Conditions:
Laryngo-onycho-cutaneous syndrome (JEB2C). Also called: LOGIC SYNDROME; EPIDERMOLYSIS BULLOSA, JUNCTIONAL 2C, LARYNGOONYCHOCUTANEOUS; SHABBIR SYNDROME. Identifiers: Orphanet 2407, MedGen C1328355, MONDO:0009513, OMIM 245660.
Epidermolysis bullosa, junctional 2B, severe. Also called: EPIDERMOLYSIS BULLOSA, JUNCTIONAL 2B, GENERALIZED SEVERE; EPIDERMOLYSIS BULLOSA, JUNCTIONAL 2B, HERLITZ TYPE. Identifiers: MedGen C5676937, MONDO:0030747, OMIM 619784.
Epidermolysis bullosa, junctional 2A, intermediate. Also called: EPIDERMOLYSIS BULLOSA, JUNCTIONAL 2A, GENERALIZED INTERMEDIATE; EPIDERMOLYSIS BULLOSA, JUNCTIONAL 2A, NON-HERLITZ TYPE. Identifiers: MedGen C5676936, MONDO:0030746, OMIM 619783.
Junctional epidermolysis bullosa gravis of Herlitz. Also called: Herlitz-type junctional epidermolysis bullosa; EPIDERMOLYSIS BULLOSA JUNCTIONALIS, HERLITZ TYPE; EPIDERMOLYSIS BULLOSA, JUNCTIONAL, HERLITZ-PEARSON TYPE; JEB-HERLITZ TYPE; EPIDERMOLYSIS BULLOSA, JUNCTIONAL 1B, SEVERE; Epidermolysis Bullosa Letalis. Identifiers: Orphanet 79404, MedGen C0079683, MONDO:0009182, OMIM 226700.
Inborn genetic diseases. Identifiers: MedGen C0950123, MeSH D030342.

Allele frequency attached by ClinVar (database versions not stated): gnomAD 0.00017; 1000 Genomes Project 0.00020; ExAC 0.00024; TOPMed 0.00026; 1000 Genomes Project 30x 0.00031; ESP Exome Variant Server 0.00031.
gnomAD v4.1: 307 of 1,614,052 alleles (0.019%); highest among the groups gnomAD compares: Admixed American, 0.088%; no homozygotes.

Submissions (6):

Labcorp Genetics (formerly Invitae), Labcorp
Classification: Likely benign. Last evaluated: 2026-01-28. Review status: criteria provided, single submitter. Criteria: Invitae Variant Classification Sherloc (09022015). Collection method: clinical testing. Allele origin: germline.

GeneDx
Classification: Uncertain significance. Last evaluated: 2025-04-21. Review status: criteria provided, single submitter. Criteria: GeneDx Variant Classification Process June 2021. Collection method: clinical testing. Allele origin: germline. Affected: yes.
Comment: Has not been previously published as pathogenic or benign to our knowledge; In silico analysis supports that this missense variant has a deleterious effect on protein structure/function

Ambry Genetics
Classification: Uncertain significance for Inborn genetic diseases. Last evaluated: 2024-10-07. Review status: criteria provided, single submitter. Criteria: Ambry Variant Classification Scheme 2023. Collection method: clinical testing. Allele origin: germline.

Fulgent Genetics
Classification: Uncertain significance for Junctional epidermolysis bullosa gravis of Herlitz; Laryngo-onycho-cutaneous syndrome; Epidermolysis bullosa, junctional 2A, intermediate; Epidermolysis bullosa, junctional 2B, severe. Last evaluated: 2021-07-25. Review status: criteria provided, single submitter. Criteria: ACMG Guidelines, 2015. Collection method: clinical testing. Allele origin: unknown.

Illumina Laboratory Services, Illumina
Classification: Uncertain significance for Laryngo-onycho-cutaneous syndrome. Last evaluated: 2018-01-13. Review status: criteria provided, single submitter. Criteria: ICSL Variant Classification Criteria 13 December 2019. Collection method: clinical testing. Allele origin: germline.

Illumina Laboratory Services, Illumina
Classification: Uncertain significance for Junctional epidermolysis bullosa gravis of Herlitz. Last evaluated: 2018-01-13. Review status: criteria provided, single submitter. Criteria: ICSL Variant Classification Criteria 13 December 2019. Collection method: clinical testing. Allele origin: germline.

NM_198129.4(LAMA3):c.5942G>A (p.Arg1981Gln)

Gene: LAMA3 (laminin subunit alpha 3; plus strand). Cytogenetic location: 18q11.2.
Variant type: single nucleotide variant.
Coding change: c.5942G>A on transcript NM_198129.4 (MANE Select); coding-DNA position 5942, G replaced by A.
Protein change: p.Arg1981Gln; replaces arginine 1981 with glutamine.
Molecular consequence: missense variant. On other transcripts: intron variant (2).
Genome position (GRCh38, 1-based): chr18:23,899,393, G>A. VCF-style: chr18-23899393-G-A. GRCh37 (hg19) VCF-style: chr18-21479357-G-A.
Other names: c.1115G>A, p.Arg372Gln (NM_000227.6); c.5836+328G>A (NM_001127717.4); c.1009+328G>A (NM_001127718.4); short protein forms R372Q, R1981Q.
Identifiers: ClinVar variation 890859 (VCV000890859.11), dbSNP rs139393175, ClinGen allele CA8916226.